The following is an entry in ClinVar:

NM_004168.4(SDHA):c.80A>T (p.Gln27Leu)

Gene: SDHA (succinate dehydrogenase complex flavoprotein subunit A; plus strand). Cytogenetic location: 5p15.33.
Variant type: single nucleotide variant.
Coding change: c.80A>T on transcript NM_004168.4 (MANE Select); coding-DNA position 80, A replaced by T.
Protein change: p.Gln27Leu; replaces glutamine 27 with leucine.
Molecular consequence: missense variant.
Genome position (GRCh38, 1-based): chr5:223,498, A>T. VCF-style: chr5-223498-A-T. GRCh37 (hg19) VCF-style: chr5-223613-A-T.
Other names: c.80A>T, p.Gln27Leu (NM_001294332.2, NM_001330758.2); c.80A>T (NM_004168.2); short protein forms Q27L.
Identifiers: ClinVar variation 3761216 (VCV003761216.3).

ClinVar aggregate classification (germline): Uncertain significance. Review status: criteria provided, multiple submitters, no conflicts (2 of 4 stars). 2 submissions from 2 submitters: Uncertain significance (2). Last evaluated 2026-07-05.

Conditions:
Hereditary cancer-predisposing syndrome. Also called: Tumor predisposition; Hereditary neoplastic syndrome; Hereditary Cancer Syndrome; Neoplastic Syndromes, Hereditary. Identifiers: Orphanet 140162, MedGen C0027672, MeSH D009386, MONDO:0015356.
Mitochondrial complex II deficiency, nuclear type 1. Also called: SUCCINATE CoQ REDUCTASE DEFICIENCY. Identifiers: Orphanet 3208, MedGen C5700310, MONDO:0100294, OMIM 252011.
Pheochromocytoma/paraganglioma syndrome 5. Also called: Paragangliomas 5; SDHA-Related Hereditary Paraganglioma-Pheochromocytoma Syndrome. Identifiers: Orphanet 29072, MedGen C3279992, MONDO:0013602, OMIM 614165.

Submissions (2):

Ambry Genetics
Classification: Uncertain significance for Hereditary cancer-predisposing syndrome. Last evaluated: 2026-07-05. Review status: criteria provided, single submitter. Criteria: Ambry Variant Classification Scheme 2023. Collection method: clinical testing. Allele origin: germline.
Comment: The p.Q27L variant (also known as c.80A>T), located in coding exon 2 of the SDHA gene, results from an A to T substitution at nucleotide position 80. The glutamine at codon 27 is replaced by leucine, an amino acid with dissimilar properties. This amino acid position is conserved. In addition, this alteration is predicted to be tolerated by in silico analysis. Based on the available evidence, the clinical significance of this variant remains unclear.

Labcorp Genetics (formerly Invitae), Labcorp
Classification: Uncertain significance for Pheochromocytoma/paraganglioma syndrome 5; Mitochondrial complex II deficiency, nuclear type 1. Last evaluated: 2024-08-28. Review status: criteria provided, single submitter. Criteria: Invitae Variant Classification Sherloc (09022015). Collection method: clinical testing. Allele origin: germline.
Comment: This sequence change replaces glutamine, which is neutral and polar, with leucine, which is neutral and non-polar, at codon 27 of the SDHA protein (p.Gln27Leu). This variant is not present in population databases (gnomAD no frequency). This variant has not been reported in the literature in individuals affected with SDHA-related conditions. Invitae Evidence Modeling of protein sequence and biophysical properties (such as structural, functional, and spatial information, amino acid conservation, physicochemical variation, residue mobility, and thermodynamic stability) indicates that this missense variant is not expected to disrupt SDHA protein function with a negative predictive value of 95%. In summary, the available evidence is currently insufficient to determine the role of this variant in disease. Therefore, it has been classified as a Variant of Uncertain Significance.